The following is an entry in ClinVar:

ClinVar aggregate classification (germline): Uncertain significance (1 of 4 stars; one submission).

Conditions:
Developmental and epileptic encephalopathy, 2 (DEE2). Also called: INFANTILE SPASM SYNDROME, X-LINKED 2; CDKL5 deficiency disorder. Identifiers: Orphanet 1934, Orphanet 3451, Orphanet 505652, MedGen C4750718, MONDO:0010396, OMIM 300672.
Angelman syndrome-like. Identifiers: MedGen CN128785.

Submission:

Labcorp Genetics (formerly Invitae), Labcorp
Classification: Uncertain significance for Developmental and epileptic encephalopathy, 2; Angelman syndrome-like. Last evaluated: 2022-08-16. Review status: criteria provided, single submitter. Criteria: Invitae Variant Classification Sherloc (09022015). Collection method: clinical testing. Allele origin: germline.
Comment: In summary, the available evidence is currently insufficient to determine the role of this variant in disease. Therefore, it has been classified as a Variant of Uncertain Significance. Variants that disrupt the consensus splice site are a relatively common cause of aberrant splicing (PMID: 17576681, 9536098). Algorithms developed to predict the effect of sequence changes on RNA splicing suggest that this variant may disrupt the consensus splice site. This variant has not been reported in the literature in individuals affected with CDKL5-related conditions. This variant is not present in population databases (gnomAD no frequency). This sequence change falls in intron 5 of the CDKL5 gene. It does not directly change the encoded amino acid sequence of the CDKL5 protein. It affects a nucleotide within the consensus splice site.

Literature cited by the submitters: PubMed 17576681; PubMed 9536098.

NM_001323289.2(CDKL5):c.282+5G>C

Gene: CDKL5 (cyclin dependent kinase like 5; plus strand). Cytogenetic location: Xp22.13.
Variant type: single nucleotide variant.
Coding change: c.282+5G>C on transcript NM_001323289.2 (MANE Select); 5 bases into the intron after coding-DNA position 282, G replaced by C.
Molecular consequence: intron variant.
Genome position (GRCh38, 1-based): chrX:18,575,495, G>C. VCF-style: chrX-18575495-G-C. GRCh37 (hg19) VCF-style: chrX-18593615-G-C.
Other names: c.282+5G>C (NM_003159.3, NM_001037343.2).
Identifiers: ClinVar variation 2063909 (VCV002063909.4), dbSNP rs1925269123, ClinGen allele CA2580100398.
Genomic context (GRCh38, chrX:18,575,495, plus strand): 5'-AGGAAGCATTTCGTCGGAGGGGAAAGTTGTACTTGGTGTTTGAGTATGTTGAAAAAGTAA[G>C]TCATTAATTGCCAATGTGCACATTTGCCCGATTCTTTTATTTAAGGCTGTTTCTGACATT-3'